The following is an entry in ClinVar:

NM_001042492.3(NF1):c.4667A>T (p.Asp1556Val)

Gene: NF1 (neurofibromin 1; plus strand). Cytogenetic location: 17q11.2.
Variant type: single nucleotide variant.
Coding change: c.4667A>T on transcript NM_001042492.3 (MANE Select); coding-DNA position 4667, A replaced by T.
Protein change: p.Asp1556Val; replaces aspartic acid 1556 with valine.
Molecular consequence: missense variant.
Genome position (GRCh38, 1-based): chr17:31,261,800, A>T. VCF-style: chr17-31261800-A-T. GRCh37 (hg19) VCF-style: chr17-29588818-A-T.
Other names: c.4604A>T, p.Asp1535Val (NM_000267.4); short protein forms D1535V, D1556V.
Identifiers: ClinVar variation 1713752 (VCV001713752.5), dbSNP rs2508430195, ClinGen allele CA399000431.
Genomic context (GRCh38, chr17:31,261,800, plus strand): 5'-TTGATAAGATGGCAACACTTCTTGCATACCTGGGTCCTCCAGAGCACAAACCTGTGGCAG[A>T]TACACACTGGTCCAGCCTTAACCTTACCAGTTCAAAGTTTGAGGAATTTATGACTAGGTA-3'
Protein context (NP_001035957.1, residues 1546-1566): LGPPEHKPVA[Asp1556Val]THWSSLNLTS

ClinVar aggregate classification (germline): Uncertain significance (1 of 4 stars; one submission).

Conditions:
Neurofibromatosis, type 1 (NF1). Also called: Peripheral type neurofibromatosis; VON RECKLINGHAUSEN DISEASE; NEUROFIBROMATOSIS, TYPE I, SOMATIC; Neurofibromatosis, type I. Identifiers: Orphanet 636, MedGen C0027831, MONDO:0018975, OMIM 162200. Disease mechanism: loss of function.

Submission:

Labcorp Genetics (formerly Invitae), Labcorp
Classification: Uncertain significance for Neurofibromatosis, type 1. Last evaluated: 2022-09-03. Review status: criteria provided, single submitter. Criteria: Invitae Variant Classification Sherloc (09022015). Collection method: clinical testing. Allele origin: germline.
Comment: In summary, the available evidence is currently insufficient to determine the role of this variant in disease. Therefore, it has been classified as a Variant of Uncertain Significance. Advanced modeling of protein sequence and biophysical properties (such as structural, functional, and spatial information, amino acid conservation, physicochemical variation, residue mobility, and thermodynamic stability) performed at Invitae indicates that this missense variant is expected to disrupt NF1 protein function. This variant has not been reported in the literature in individuals affected with NF1-related conditions. This variant is not present in population databases (gnomAD no frequency). This sequence change replaces aspartic acid, which is acidic and polar, with valine, which is neutral and non-polar, at codon 1535 of the NF1 protein (p.Asp1535Val).